The following is an entry in ClinVar:

NM_016111.4(TELO2):c.364C>T (p.Arg122Trp)

Gene: TELO2 (telomere maintenance 2; plus strand). Cytogenetic location: 16p13.3.
Variant type: single nucleotide variant.
Coding change: c.364C>T on transcript NM_016111.4 (MANE Select); coding-DNA position 364, C replaced by T.
Protein change: p.Arg122Trp; replaces arginine 122 with tryptophan.
Molecular consequence: missense variant.
Genome position (GRCh38, 1-based): chr16:1,495,374, C>T. VCF-style: chr16-1495374-C-T. GRCh37 (hg19) VCF-style: chr16-1545375-C-T.
Other names: c.364C>T, p.Arg122Trp (NM_001351846.2); c.364C>T (NM_016111.3); short protein forms R122W.
Identifiers: ClinVar variation 2421398 (VCV002421398.8), dbSNP rs756714369, ClinGen allele CA7811615.

ClinVar aggregate classification (germline): Uncertain significance. Review status: criteria provided, multiple submitters, no conflicts (2 of 4 stars). 2 submissions from 2 submitters: Uncertain significance (2). Last evaluated 2025-09-26.

Conditions:
Inborn genetic diseases. Identifiers: MedGen C0950123, MeSH D030342.

Allele frequency attached by ClinVar (database versions not stated): gnomAD exomes 0.00001; gnomAD 0.00003; ExAC 0.00006; TOPMed 0.00005.
gnomAD v4.1: 25 of 1,561,156 alleles (0.0016%); highest among the groups gnomAD compares: South Asian, 0.0081%; no homozygotes.

Submissions (2):

Ambry Genetics
Classification: Uncertain significance for Inborn genetic diseases. Last evaluated: 2025-09-26. Review status: criteria provided, single submitter. Criteria: Ambry Variant Classification Scheme 2023. Collection method: clinical testing. Allele origin: germline.

Labcorp Genetics (formerly Invitae), Labcorp
Classification: Uncertain significance. Last evaluated: 2022-07-15. Review status: criteria provided, single submitter. Criteria: Invitae Variant Classification Sherloc (09022015). Collection method: clinical testing. Allele origin: germline.
Comment: This sequence change replaces arginine, which is basic and polar, with tryptophan, which is neutral and slightly polar, at codon 122 of the TELO2 protein (p.Arg122Trp). The frequency data for this variant in the population databases is considered unreliable, as metrics indicate poor data quality at this position in the gnomAD database. In summary, the available evidence is currently insufficient to determine the role of this variant in disease. Therefore, it has been classified as a Variant of Uncertain Significance. Algorithms developed to predict the effect of missense changes on protein structure and function (SIFT, PolyPhen-2, Align-GVGD) all suggest that this variant is likely to be tolerated. This variant has not been reported in the literature in individuals affected with TELO2-related conditions.